The following is an entry in ClinVar:

ClinVar aggregate classification (germline): Likely benign (1 of 4 stars; one submission).

Allele frequency attached by ClinVar (database versions not stated): ExAC 0.00001; gnomAD 0.00003; gnomAD exomes below 0.00001; TOPMed 0.00004.
gnomAD v4.1: 4 of 1,607,434 alleles (0.00025%); highest among the groups gnomAD compares: African/African-American, 0.004%; no homozygotes.

Submission:

GeneDx
Classification: Likely benign. Last evaluated: 2016-11-04. Review status: criteria provided, single submitter. Criteria: GeneDx Variant Classification (06012015). Collection method: clinical testing. Allele origin: germline. Affected: yes.
Comment: This variant is considered likely benign or benign based on one or more of the following criteria: it is a conservative change, it occurs at a poorly conserved position in the protein, it is predicted to be benign by multiple in silico algorithms, and/or has population frequency not consistent with disease.

NM_006907.4(PYCR1):c.-4C>G

Gene: PYCR1 (pyrroline-5-carboxylate reductase 1; minus strand). Cytogenetic location: 17q25.3.
Variant type: single nucleotide variant.
Coding change: c.-4C>G on transcript NM_006907.4 (MANE Select); 4 bases upstream of the start codon, C replaced by G.
Molecular consequence: 5 prime UTR variant. On other transcripts: missense variant (1).
Genome position (GRCh38, 1-based): chr17:81,936,818, G>C on the plus strand (C>G on the coding strand, the complement: PYCR1 is on the minus strand). VCF-style: chr17-81936818-G-C. GRCh37 (hg19) VCF-style: chr17-79894694-G-C.
Other names: c.-4C>G (NM_001282279.2, NM_001282280.2, NM_001330523.2 and 1 more transcripts); c.78C>G, p.Asp26Glu (NM_001282281.2); short protein forms D26E.
Identifiers: ClinVar variation 390579 (VCV000390579.1), dbSNP rs746066425, ClinGen allele CA8845619.